The following is an entry in ClinVar:

ClinVar aggregate classification (germline): Uncertain significance (1 of 4 stars; one submission).

Conditions:
Asphyxiating thoracic dystrophy 3. Also called: Short rib polydactyly syndrome 2B; Saldino-Noonan Syndrome; POLYDACTYLY WITH NEONATAL CHONDRODYSTROPHY, TYPE I; SHORT-RIB THORACIC DYSPLASIA 3/6 WITH POLYDACTYLY, DIGENIC; SHORT-RIB THORACIC DYSPLASIA 3 WITH OR WITHOUT POLYDACTYLY. Identifiers: Orphanet 474, Orphanet 93269, Orphanet 93270, Orphanet 93271, MedGen C0036069, MONDO:0013127, OMIM 613091.

gnomAD v4.1: 1 of 1,612,536 alleles (0.000062%); highest among the groups gnomAD compares: East Asian, 0.0022%; no homozygotes.

Submission:

Juno Genomics, Hangzhou Juno Genomics, Inc
Classification: Uncertain significance for Asphyxiating thoracic dystrophy 3. Review status: criteria provided, single submitter. Criteria: ACMG Guidelines, 2015. Collection method: clinical testing. Allele origin: germline.
Comment: Absent from controls (or at extremely low frequency if recessive) in Genome Aggregation Database.

NM_001377.3(DYNC2H1):c.11272G>A (p.Gly3758Ser)

Gene: DYNC2H1 (dynein cytoplasmic 2 heavy chain 1; plus strand). Cytogenetic location: 11q22.3.
Variant type: single nucleotide variant.
Coding change: c.11272G>A on transcript NM_001377.3 (MANE Select); coding-DNA position 11272, G replaced by A.
Protein change: p.Gly3758Ser; replaces glycine 3758 with serine.
Molecular consequence: missense variant.
Genome position (GRCh38, 1-based): chr11:103,304,610, G>A. VCF-style: chr11-103304610-G-A. GRCh37 (hg19) VCF-style: chr11-103175339-G-A.
Other names: c.11293G>A, p.Gly3765Ser (NM_001080463.2); short protein forms G3758S, G3765S.
Identifiers: ClinVar variation 5018988 (VCV005018988.3).